The following is an entry in ClinVar:

NM_001378454.1(ALMS1):c.9693G>A (p.Glu3231=)

Gene: ALMS1 (ALMS1 centrosome and basal body associated protein; plus strand). Cytogenetic location: 2p13.1.
Variant type: single nucleotide variant.
Coding change: c.9693G>A on transcript NM_001378454.1 (MANE Select); coding-DNA position 9693, G replaced by A.
Protein change: p.Glu3231=; no amino-acid change (glutamic acid 3231 retained).
Molecular consequence: synonymous variant.
Genome position (GRCh38, 1-based): chr2:73,519,928, G>A. VCF-style: chr2-73519928-G-A. GRCh37 (hg19) VCF-style: chr2-73747055-G-A.
Other names: c.9696G>A, p.Glu3232= (NM_015120.4).
Identifiers: ClinVar variation 391403 (VCV000391403.10), dbSNP rs764518519, ClinGen allele CA1714736.
Genomic context (GRCh38, chr2:73,519,928, plus strand): 5'-GACCCTATTTTCATCTGAGATTTTTATTAATGCTGAAGATCGTGGACATGAAATTATAGA[G>A]CCTGGTAACCAGAAGCTACGCAAAGCTCCTGTCAAGTTTGCCTCATCATCTTCAGTCCAA-3'
Protein context (NP_001365383.1, residues 3221-3241): NAEDRGHEII[Glu3231=]PGNQKLRKAP

ClinVar aggregate classification (germline): Likely benign. Review status: criteria provided, multiple submitters, no conflicts (2 of 4 stars). 3 submissions from 3 submitters: Likely benign (3). Last evaluated 2023-08-07.

Conditions:
Cardiovascular phenotype. Identifiers: MedGen CN230736.
Alstrom syndrome (ALMS). Identifiers: Orphanet 64, MedGen C0268425, MONDO:0008763, OMIM 203800.

Allele frequency attached by ClinVar (database versions not stated): gnomAD exomes below 0.00001; TOPMed below 0.00001; ExAC 0.00001; gnomAD 0.00001.
gnomAD v4.1: 2 of 1,613,942 alleles (0.00012%); highest among the groups gnomAD compares: East Asian, 0.0022%; no homozygotes.

Submissions (3):

Ambry Genetics
Classification: Likely benign for Cardiovascular phenotype. Last evaluated: 2023-08-07. Review status: criteria provided, single submitter. Criteria: Ambry Variant Classification Scheme 2023. Collection method: clinical testing. Allele origin: germline.

Labcorp Genetics (formerly Invitae), Labcorp
Classification: Likely benign for Alstrom syndrome. Last evaluated: 2020-11-16. Review status: criteria provided, single submitter. Criteria: Invitae Variant Classification Sherloc (09022015). Collection method: clinical testing. Allele origin: germline.

GeneDx
Classification: Likely benign. Last evaluated: 2016-12-05. Review status: criteria provided, single submitter. Criteria: GeneDx Variant Classification (06012015). Collection method: clinical testing. Allele origin: germline. Affected: yes.
Comment: This variant is considered likely benign or benign based on one or more of the following criteria: it is a conservative change, it occurs at a poorly conserved position in the protein, it is predicted to be benign by multiple in silico algorithms, and/or has population frequency not consistent with disease.